The following is an entry in ClinVar:

NM_000307.5(POU3F4):c.859_863del (p.Val287fs)

Gene: POU3F4 (POU class 3 homeobox 4; plus strand). Cytogenetic location: Xq21.1.
Variant type: Deletion.
Coding change: c.859_863del on transcript NM_000307.5 (MANE Select); coding-DNA positions 859 to 863, 5 bases deleted (GTGAG; older notation c.859_863delGTGAG).
Protein change: p.Val287fs; shifts the reading frame from valine 287.
Molecular consequence: frameshift variant.
Genome position (GRCh38, 1-based): chrX:83,509,183-83,509,187, GTGAG deleted; deleting any 5 consecutive bases within chrX:83,509,180-83,509,187 gives the same sequence; the c. name uses the placement nearest the transcript's 3' end. VCF-style (leftmost placement, unchanged base first): chrX-83509179-CGAGGT-C. GRCh37 (hg19) VCF-style: chrX-82764187-CGAGGT-C.
Other names: short protein forms V287fs.
Identifiers: ClinVar variation 3601681 (VCV003601681.1).

ClinVar aggregate classification (germline): Pathogenic (1 of 4 stars; one submission).

Conditions:
X-linked mixed hearing loss with perilymphatic gusher. Also called: Deafness, X-linked 2; NANCE DEAFNESS; PERILYMPHATIC GUSHER-DEAFNESS SYNDROME; SENSORINEURAL DEAFNESS, PROFOUND, WITH OR WITHOUT A CONDUCTIVE COMPONENT, ASSOCIATED WITH A UNIQUE DEVELOPMENTAL ABNORMALITY OF THE EAR; Gusher syndrome. Identifiers: Orphanet 383, MedGen C1844678, MONDO:0010576, OMIM 304400.

Submission:

Institute of Rare Diseases, West China Hospital, Sichuan University
Classification: Pathogenic for X-linked mixed hearing loss with perilymphatic gusher. Last evaluated: 2025-01-09. Review status: criteria provided, single submitter. Criteria: ClinGen HL ACMG Specifications v1. Collection method: research. Allele origin: germline. Affected: yes.
Comment: PM1;PVS1;PM3_Supporting;PM2_Supporting